The following is an entry in ClinVar:

NM_181426.2(CCDC39):c.2564T>G (p.Ile855Ser)

Genes: CCDC39 (coiled-coil domain 39 molecular ruler complex subunit; minus strand), TTC14 (tetratricopeptide repeat domain 14; plus strand). Cytogenetic location: 3q26.33.
Variant type: single nucleotide variant.
Coding change: c.2564T>G on transcript NM_181426.2 (MANE Select); coding-DNA position 2564, T replaced by G.
Protein change: p.Ile855Ser; replaces isoleucine 855 with serine.
Molecular consequence: missense variant. On other transcripts: intron variant (1).
Genome position (GRCh38, 1-based): chr3:180,616,538, A>C on the plus strand (T>G on the coding strand, the complement: CCDC39 is on the minus strand). VCF-style: chr3-180616538-A-C. GRCh37 (hg19) VCF-style: chr3-180334326-A-C.
Other names: c.1775-842A>C (NM_001288582.2); short protein forms I855S.
Identifiers: ClinVar variation 3264203 (VCV003264203.2).
Genomic context (GRCh38, chr3:180,616,538, plus strand): 5'-AGTTTTTAAGAAATATTTAATAGAAGGTGCTGTATTACCTGTTGAAAGTATGTTTGAAGG[A>C]TAATACGGATCTCAGTATTTTCTTCTATGATATCAACTAACATTTCATCAATAACTTTGT-3'
Protein context (NP_852091.1, residues 845-865): IIEENTEIRI[Ile855Ser]LQTYFQQSGL

ClinVar aggregate classification (germline): Uncertain significance (1 of 4 stars; one submission).

Conditions:
Primary ciliary dyskinesia. Also called: Ciliary dyskinesia. Identifiers: Orphanet 244, MedGen C0008780, MONDO:0016575, HP:0012265.

gnomAD v4.1: 10 of 1,576,624 alleles (0.00063%); highest among the groups gnomAD compares: East Asian, 0.0045%; no homozygotes.

Submission:

Ambry Genetics
Classification: Uncertain significance for Primary ciliary dyskinesia. Last evaluated: 2025-03-13. Review status: criteria provided, single submitter. Criteria: Ambry Variant Classification Scheme 2023. Collection method: clinical testing. Allele origin: germline.
Comment: The p.I855S variant (also known as c.2564T>G), located in coding exon 18 of the CCDC39 gene, results from a T to G substitution at nucleotide position 2564. The isoleucine at codon 855 is replaced by serine, an amino acid with dissimilar properties. This amino acid position is conserved. In addition, the in silico prediction for this alteration is inconclusive. Based on the available evidence, the clinical significance of this variant remains unclear.